The following is an entry in ClinVar:

NM_001038603.3(MARVELD2):c.364G>A (p.Ala122Thr)

Gene: MARVELD2 (MARVEL domain containing 2; plus strand). Cytogenetic location: 5q13.2.
Variant type: single nucleotide variant.
Coding change: c.364G>A on transcript NM_001038603.3 (MANE Select); coding-DNA position 364, G replaced by A.
Protein change: p.Ala122Thr; replaces alanine 122 with threonine.
Molecular consequence: missense variant.
Genome position (GRCh38, 1-based): chr5:69,419,749, G>A. VCF-style: chr5-69419749-G-A. GRCh37 (hg19) VCF-style: chr5-68715576-G-A.
Other names: c.364G>A, p.Ala122Thr (NM_001244734.2); short protein forms A122T.
Identifiers: ClinVar variation 178406 (VCV000178406.18), dbSNP rs140764671, ClinGen allele CA182264.
Genomic context (GRCh38, chr5:69,419,749, plus strand): 5'-CCGGTGTCTGATATCAGGTACATCTCCGATGGAGTGGAGTGTTCACCACCAGCCTCTCCA[G>A]CAAGACCAAACCACCGTTCGCCCCTCAACTCCTGCAAAGATCCCTACGGAGGGTCAGAAG-3'
Protein context (NP_001033692.2, residues 112-132): GVECSPPASP[Ala122Thr]RPNHRSPLNS

ClinVar aggregate classification (germline): Conflicting classifications of pathogenicity. Review status: criteria provided, conflicting classifications (1 of 4 stars). 4 submissions from 4 submitters: Uncertain significance (1); Benign (3). Last evaluated 2025-12-20.

Conditions:
Autosomal recessive nonsyndromic hearing loss 49. Also called: Deafness, neurosensory, autosomal recessive 49. Identifiers: Orphanet 90636, MedGen C1857811, MONDO:0012420, OMIM 610153.

Allele frequency attached by ClinVar (database versions not stated): ESP Exome Variant Server 0.00577; gnomAD exomes 0.00113 and 0.00039; ExAC 0.00142; 1000 Genomes Project 0.00419; gnomAD 0.00439 and 0.00473; TOPMed 0.00471; 1000 Genomes Project 30x 0.00484.
gnomAD v4.1: 1,232 of 1,614,130 alleles (0.076%); highest among the groups gnomAD compares: African/African-American, 1.5%; 16 homozygotes.

Submissions (4):

Labcorp Genetics (formerly Invitae), Labcorp
Classification: Benign. Last evaluated: 2025-12-20. Review status: criteria provided, single submitter. Criteria: Invitae Variant Classification Sherloc (09022015). Collection method: clinical testing. Allele origin: germline.

GeneDx
Classification: Benign. Last evaluated: 2019-01-28. Review status: criteria provided, single submitter. Criteria: GeneDx Variant Classification Process June 2021. Collection method: clinical testing. Allele origin: germline. Affected: yes.

Illumina Laboratory Services, Illumina
Classification: Uncertain significance for Autosomal recessive nonsyndromic hearing loss 49. Last evaluated: 2018-01-13. Review status: criteria provided, single submitter. Criteria: ICSL Variant Classification Criteria 13 December 2019. Collection method: clinical testing. Allele origin: germline.

Laboratory for Molecular Medicine, Mass General Brigham Personalized Medicine
Classification: Benign. Last evaluated: 2012-04-30. Review status: criteria provided, single submitter. Criteria: LMM Criteria. Collection method: clinical testing. Allele origin: germline. Observed: 3 variant alleles.
Comment: Ala122Thr in Exon 02 of MARVELD2: This variant is not expected to have clinical significance because it has been identified in 1.7% (62/3738) of African America n chromosomes from a broad population by the NHLBI Exome Sequencing Project (dbSNP rs140764671).